The following is an entry in ClinVar:

NM_001170535.3(ATAD3A):c.206-12T>C

Gene: ATAD3A (ATPase family AAA domain containing 3A; plus strand). Cytogenetic location: 1p36.33.
Variant type: single nucleotide variant.
Coding change: c.206-12T>C on transcript NM_001170535.3 (MANE Select); 12 bases into the intron before coding-DNA position 206, T replaced by C.
Molecular consequence: intron variant.
Genome position (GRCh38, 1-based): chr1:1,516,000, T>C. VCF-style: chr1-1516000-T-C. GRCh37 (hg19) VCF-style: chr1-1451380-T-C.
Other names: c.206-12T>C (NM_018188.5); c.-32-12T>C (NM_001170536.3).
Identifiers: ClinVar variation 1185402 (VCV001185402.6), dbSNP rs9439458, ClinGen allele CA525628.

ClinVar aggregate classification (germline): Benign. Review status: criteria provided, multiple submitters, no conflicts (2 of 4 stars). 5 submissions from 4 submitters: Benign (5). Last evaluated 2024-11-26.

Conditions:
Pontocerebellar hypoplasia, hypotonia, and respiratory insufficiency syndrome, neonatal lethal. Also called: PHRINL SYNDROME. Identifiers: Orphanet 615954, MedGen C5394137, MONDO:0032931, OMIM 618810.
Harel-Yoon syndrome (HAYOS). Also called: Optic atrophy-peripheral neuropathy-developmental delay syndrome. Identifiers: Orphanet 496790, MedGen C4310677, MONDO:0014958, OMIM 617183.

Allele frequency attached by ClinVar (database versions not stated): gnomAD exomes 0.18316 and 0.27602; ExAC 0.28360; ESP Exome Variant Server 0.33854; TOPMed 0.38014; 1000 Genomes Project 0.47085; 1000 Genomes Project 30x 0.47954.
gnomAD v4.1: 323,870 of 1,613,412 alleles (20%); highest among the groups gnomAD compares: African/African-American, 76%; 52,037 homozygotes.

Submissions (5):

Blueprint Genetics
Classification: Benign. Last evaluated: 2024-11-26. Review status: criteria provided, single submitter. Criteria: ACMG Guidelines, 2015. Collection method: clinical testing. Allele origin: germline.

Unidad de Genómica Garrahan, Hospital de Pediatría Garrahan
Classification: Benign. Last evaluated: 2024-01-24. Review status: criteria provided, single submitter. Criteria: ACMG Guidelines, 2015. Collection method: clinical testing. Allele origin: germline. Affected: no. Observed: 48 variant alleles.
Comment: This variant is classified as Benign based on local population frequency. This variant was detected in 51% of patients studied by a panel of primary immunodeficiencies. Number of patients: 48. Only high quality variants are reported.

Genome-Nilou Lab
Classification: Benign for Harel-Yoon syndrome. Last evaluated: 2021-07-14. Review status: criteria provided, single submitter. Criteria: ACMG Guidelines, 2015. Collection method: clinical testing. Allele origin: germline. Affected: no.

Genome-Nilou Lab
Classification: Benign for Pontocerebellar hypoplasia, hypotonia, and respiratory insufficiency syndrome, neonatal lethal. Last evaluated: 2021-07-14. Review status: criteria provided, single submitter. Criteria: ACMG Guidelines, 2015. Collection method: clinical testing. Allele origin: germline. Affected: no.

Breakthrough Genomics
Classification: Benign. Review status: criteria provided, single submitter. Criteria: ACMG Guidelines, 2015. Collection method: not provided. Allele origin: germline. Inheritance: Autosomal recessive inheritance. Affected: yes.